The following is an entry in ClinVar:

ClinVar aggregate classification (germline): Uncertain significance (1 of 4 stars; one submission).

Allele frequency attached by ClinVar (database versions not stated): gnomAD exomes below 0.00001.
gnomAD v4.1: 1 of 1,613,366 alleles (0.000062%); highest among the groups gnomAD compares: Non-Finnish European, 0.000085%; no homozygotes.

Submission:

Labcorp Genetics (formerly Invitae), Labcorp
Classification: Uncertain significance. Last evaluated: 2022-10-31. Review status: criteria provided, single submitter. Criteria: Invitae Variant Classification Sherloc (09022015). Collection method: clinical testing. Allele origin: germline.
Comment: In summary, the available evidence is currently insufficient to determine the role of this variant in disease. Therefore, it has been classified as a Variant of Uncertain Significance. Algorithms developed to predict the effect of sequence changes on RNA splicing suggest that this variant may create or strengthen a splice site. This variant has not been reported in the literature in individuals affected with TNFRSF11A-related conditions. This variant is not present in population databases (gnomAD no frequency). This sequence change falls in intron 2 of the TNFRSF11A gene. It does not directly change the encoded amino acid sequence of the TNFRSF11A protein.

NM_003839.4(TNFRSF11A):c.157+8T>G

Gene: TNFRSF11A (TNF receptor superfamily member 11a; plus strand). Cytogenetic location: 18q21.33.
Variant type: single nucleotide variant.
Coding change: c.157+8T>G on transcript NM_003839.4 (MANE Select); 8 bases into the intron after coding-DNA position 157, T replaced by G.
Molecular consequence: intron variant.
Genome position (GRCh38, 1-based): chr18:62,348,257, T>G. VCF-style: chr18-62348257-T-G. GRCh37 (hg19) VCF-style: chr18-60015490-T-G.
Other names: c.157+8T>G (NM_001270949.2, NM_001270950.2, NM_001270951.2 and 1 more transcripts).
Identifiers: ClinVar variation 2811013 (VCV002811013.3), dbSNP rs1358117131, ClinGen allele CA2642066690.